The following is an entry in ClinVar:

NM_001113378.2(FANCI):c.3400A>G (p.Ile1134Val)

Gene: FANCI (FA complementation group I; plus strand). Cytogenetic location: 15q26.1.
Variant type: single nucleotide variant.
Coding change: c.3400A>G on transcript NM_001113378.2 (MANE Select); coding-DNA position 3400, A replaced by G.
Protein change: p.Ile1134Val; replaces isoleucine 1134 with valine.
Molecular consequence: missense variant.
Genome position (GRCh38, 1-based): chr15:89,306,057, A>G. VCF-style: chr15-89306057-A-G. GRCh37 (hg19) VCF-style: chr15-89849288-A-G.
Other names: c.3121A>G, p.Ile1041Val (NM_001376910.1); c.3400A>G, p.Ile1134Val (NM_001376911.1); c.3220A>G, p.Ile1074Val (NM_018193.3); short protein forms I1134V, I1074V, I1041V.
Identifiers: ClinVar variation 317294 (VCV000317294.10), dbSNP rs377630829, ClinGen allele CA7723710.

ClinVar aggregate classification (germline): Uncertain significance. Review status: criteria provided, multiple submitters, no conflicts (2 of 4 stars). 4 submissions from 4 submitters: Uncertain significance (4). Last evaluated 2024-01-01.

Conditions:
Fanconi anemia complementation group I (FANCI). Also called: FANCI-Related Fanconi Anemia. Identifiers: Orphanet 84, MedGen C1836861, MONDO:0012186, OMIM 609053.
Fanconi anemia (FA). Also called: Fanconi's anemia. Identifiers: Orphanet 84, MedGen C0015625, MeSH D005199, MONDO:0019391.
Immunodeficiency 62. Identifiers: Orphanet 696942, MedGen C5193109, MONDO:0032763, OMIM 618459.

Allele frequency attached by ClinVar (database versions not stated): gnomAD 0.00001; gnomAD exomes 0.00001 and 0.00002; ExAC 0.00002; ESP Exome Variant Server 0.00008.
gnomAD v4.1: 27 of 1,614,226 alleles (0.0017%); highest among the groups gnomAD compares: East Asian, 0.018%; no homozygotes.

Submissions (4):

Fulgent Genetics
Classification: Uncertain significance for Fanconi anemia complementation group I. Last evaluated: 2024-01-01. Review status: criteria provided, single submitter. Criteria: ACMG Guidelines, 2015. Collection method: clinical testing. Allele origin: germline.

Genetics and Molecular Pathology, SA Pathology
Classification: Uncertain significance for Immunodeficiency 62. Last evaluated: 2022-09-15. Review status: criteria provided, single submitter. Criteria: ACMG Guidelines, 2015. Collection method: clinical testing. Allele origin: germline. Affected: yes.

Labcorp Genetics (formerly Invitae), Labcorp
Classification: Uncertain significance for Fanconi anemia. Last evaluated: 2022-03-04. Review status: criteria provided, single submitter. Criteria: Invitae Variant Classification Sherloc (09022015). Collection method: clinical testing. Allele origin: germline.
Comment: This sequence change replaces isoleucine, which is neutral and non-polar, with valine, which is neutral and non-polar, at codon 1134 of the FANCI protein (p.Ile1134Val). This variant is present in population databases (rs377630829, gnomAD 0.002%). This variant has not been reported in the literature in individuals affected with FANCI-related conditions. ClinVar contains an entry for this variant (Variation ID: 317294). Algorithms developed to predict the effect of missense changes on protein structure and function output the following: SIFT: "Tolerated"; PolyPhen-2: "Benign"; Align-GVGD: "Class C0". The valine amino acid residue is found in multiple mammalian species, which suggests that this missense change does not adversely affect protein function. In summary, the available evidence is currently insufficient to determine the role of this variant in disease. Therefore, it has been classified as a Variant of Uncertain Significance.

Illumina Laboratory Services, Illumina
Classification: Uncertain significance for Fanconi anemia complementation group I. Last evaluated: 2018-01-13. Review status: criteria provided, single submitter. Criteria: ICSL Variant Classification Criteria 13 December 2019. Collection method: clinical testing. Allele origin: germline.